The following is an entry in ClinVar:

NM_052845.4(MMAB):c.472G>A (p.Asp158Asn)

Gene: MMAB (metabolism of cobalamin associated B; minus strand). Cytogenetic location: 12q24.11.
Variant type: single nucleotide variant.
Coding change: c.472G>A on transcript NM_052845.4 (MANE Select); coding-DNA position 472, G replaced by A.
Protein change: p.Asp158Asn; replaces aspartic acid 158 with asparagine.
Molecular consequence: missense variant. On other transcripts: non-coding transcript variant (1).
Genome position (GRCh38, 1-based): chr12:109,561,467, C>T on the plus strand (G>A on the coding strand, the complement: MMAB is on the minus strand). VCF-style: chr12-109561467-C-T. GRCh37 (hg19) VCF-style: chr12-109999272-C-T.
Other names: c.472G>A (NM_052845.3); short protein forms D158N.
Identifiers: ClinVar variation 1209578 (VCV001209578.8), dbSNP rs925180956, ClinGen allele CA243448331.

ClinVar aggregate classification (germline): Uncertain significance. Review status: criteria provided, multiple submitters, no conflicts (2 of 4 stars). 4 submissions from 4 submitters: Uncertain significance (4). Last evaluated 2024-03-11.

Conditions:
Methylmalonic aciduria, cblB type (MACB). Also called: Methylmalonic acidemia cblB type; METHYLMALONIC ACIDURIA, VITAMIN B12-RESPONSIVE, DUE TO DEFECT IN SYNTHESIS OF ADENOSYLCOBALAMIN, cblB TYPE; Vitamin B12-responsive methylmalonic acidemia type cblB. Identifiers: Orphanet 28, Orphanet 79311, MedGen C1855102, MONDO:0009614, OMIM 251110.
Inborn genetic diseases. Identifiers: MedGen C0950123, MeSH D030342.

Allele frequency attached by ClinVar (database versions not stated): gnomAD exomes 0.00004 and 0.00005; gnomAD 0.00006 and 0.00007; TOPMed 0.00009.
gnomAD v4.1: 78 of 1,550,448 alleles (0.005%); highest among the groups gnomAD compares: Non-Finnish European, 0.0063%; no homozygotes.

Submissions (4):

Blueprint Genetics
Classification: Uncertain significance. Last evaluated: 2024-03-11. Review status: criteria provided, single submitter. Criteria: ACMG Guidelines, 2015. Collection method: clinical testing. Allele origin: germline.

Labcorp Genetics (formerly Invitae), Labcorp
Classification: Uncertain significance for Methylmalonic aciduria, cblB type. Last evaluated: 2022-09-13. Review status: criteria provided, single submitter. Criteria: Invitae Variant Classification Sherloc (09022015). Collection method: clinical testing. Allele origin: germline.
Comment: This sequence change replaces aspartic acid, which is acidic and polar, with asparagine, which is neutral and polar, at codon 158 of the MMAB protein (p.Asp158Asn). This variant is present in population databases (no rsID available, gnomAD 0.007%). This variant has not been reported in the literature in individuals affected with MMAB-related conditions. ClinVar contains an entry for this variant (Variation ID: 1209578). Advanced modeling of protein sequence and biophysical properties (such as structural, functional, and spatial information, amino acid conservation, physicochemical variation, residue mobility, and thermodynamic stability) performed at Invitae indicates that this missense variant is not expected to disrupt MMAB protein function. In summary, the available evidence is currently insufficient to determine the role of this variant in disease. Therefore, it has been classified as a Variant of Uncertain Significance.

Ambry Genetics
Classification: Uncertain significance for Inborn genetic diseases. Last evaluated: 2021-10-26. Review status: criteria provided, single submitter. Criteria: Ambry Variant Classification Scheme 2023. Collection method: clinical testing. Allele origin: germline.

Genome-Nilou Lab
Classification: Uncertain significance for Methylmalonic aciduria, cblB type. Last evaluated: 2021-07-14. Review status: criteria provided, single submitter. Criteria: ACMG Guidelines, 2015. Collection method: clinical testing. Allele origin: germline. Affected: no.